The following is an entry in ClinVar:

NM_015443.4(KANSL1):c.611G>A (p.Gly204Asp)

Gene: KANSL1 (KAT8 regulatory NSL complex subunit 1). Cytogenetic location: 17q21.31.
Variant type: single nucleotide variant.
Coding change: c.611G>A on transcript NM_015443.4 (MANE Select); coding-DNA position 611, G replaced by A.
Protein change: p.Gly204Asp; replaces glycine 204 with aspartic acid.
Molecular consequence: missense variant. On other transcripts: intron variant (4).
Genome position (GRCh38, 1-based): chr17:46,171,533, C>T on the plus strand (G>A on the coding strand, the complement: KANSL1 is on the minus strand). VCF-style: chr17-46171533-C-T. GRCh37 (hg19) VCF-style: chr17-44248899-C-T.
Other names: c.611G>A, p.Gly204Asp (NM_001193465.2, NM_001193466.2, NM_001379198.1 and 18 more transcripts); c.23+52138G>A (NM_001405885.1, NM_001405884.1, NM_001405883.1 and 1 more transcripts); short protein forms G204D.
Identifiers: ClinVar variation 3362272 (VCV003362272.5).
Genomic context (GRCh38, chr17:46,171,533, plus strand): 5'-CTATACAAAGTTGTGTGTTCTACATCAAGGCTTCTATGTGGAAGAGTGCAATTGGTCATA[C>T]CCCCCTTCAAGTCCCCAGATTCAGATCCTCCCATTTCACCCCCATGAAGAGCAGATGAAG-3'
Protein context (NP_056258.1, residues 194-214): GGSESGDLKG[Gly204Asp]MTNCTLPHRS

ClinVar aggregate classification (germline): Uncertain significance. Review status: criteria provided, multiple submitters, no conflicts (2 of 4 stars). 2 submissions from 2 submitters: Uncertain significance (2). Last evaluated 2024-10-14.

Conditions:
Koolen-de Vries syndrome (KDVS). Identifiers: Orphanet 96169, MedGen C1864871, MONDO:0012496, OMIM 610443.

Submissions (2):

Dasa
Classification: Uncertain significance. Last evaluated: 2024-10-14. Review status: criteria provided, single submitter. Criteria: DASA Assertion Criteria. Collection method: clinical testing. Allele origin: germline.
Comment: NM_015443.4(KANSL1):c.611G>A (p.Gly204Asp) is a missense variant that results in the substitution of glycine with aspartic acid. This variant is absent from population databases. Computational prediction algorithms are consistent with a benign effect. The currently available literature and clinical evidence are not sufficient to establish a definitive association between this variant and the reported condition. Therefore, this variant is classified as a variant of uncertain significance.

Neuberg Centre For Genomic Medicine, NCGM
Classification: Uncertain significance for Koolen-de Vries syndrome. Last evaluated: 2023-06-02. Review status: criteria provided, single submitter. Criteria: ACMG Guidelines, 2015. Collection method: clinical testing. Allele origin: germline. Inheritance: Autosomal dominant inheritance. Affected: yes.
Comment: The observed missense variant c.611G>A(p.Gly204Asp) in the KANSL1 gene has not been reported previously as a pathogenic variant nor as a benign variant, to our knowledge. This variant absent in the gnomAD Exomes. The amino acid Glycine at position 204 is changed to a Aspartic acid changing protein sequence and it might alter its composition and physico-chemical properties. Multiple lines of computational evidence (SIFT - Damaging and MutationTaster - Disease causing) predict a damaging effect on protein structure and function for this variant. The residue is conserved by GERP++ and PhyloP across 100 vertebrates. For these reasons, this variant has been classified as Uncertain Significance.